The following is an entry in ClinVar:

NM_015629.4(PRPF31):c.1067del (p.Gly356fs)

Gene: PRPF31 (pre-mRNA processing factor 31; plus strand). Cytogenetic location: 19q13.42.
Variant type: Deletion.
Coding change: c.1067del on transcript NM_015629.4 (MANE Select); coding-DNA position 1067, one base deleted (G; older notation c.1067delG).
Protein change: p.Gly356fs; shifts the reading frame from glycine 356.
Molecular consequence: frameshift variant.
Genome position (GRCh38, 1-based): chr19:54,128,194, G deleted; the last of 2 consecutive G bases (chr19:54,128,193-54,128,194); deleting either gives the same sequence. VCF-style (leftmost placement, unchanged base first): chr19-54128192-CG-C. GRCh37 (hg19) VCF-style: chr19-54631567-CG-C.
Other names: short protein forms G356fs.
Identifiers: ClinVar variation 1424542 (VCV001424542.6), dbSNP rs2146444340, ClinGen allele CA2573156660.

ClinVar aggregate classification (germline): Pathogenic (1 of 4 stars; one submission).

Submission:

Labcorp Genetics (formerly Invitae), Labcorp
Classification: Pathogenic. Last evaluated: 2020-10-28. Review status: criteria provided, single submitter. Criteria: Invitae Variant Classification Sherloc (09022015). Collection method: clinical testing. Allele origin: germline.
Comment: For these reasons, this variant has been classified as Pathogenic. This variant has not been reported in the literature in individuals with PRPF31-related conditions. This variant is not present in population databases (ExAC no frequency). This sequence change creates a premature translational stop signal (p.Gly356Alafs*7) in the PRPF31 gene. It is expected to result in an absent or disrupted protein product. Loss-of-function variants in PRPF31 are known to be pathogenic (PMID: 18317597, 23950152).

Literature cited by the submitters: PubMed 18317597; PubMed 23950152.